The following is an entry in ClinVar:

NM_000088.4(COL1A1):c.588+5G>A

Gene: COL1A1 (collagen type I alpha 1 chain; minus strand). Cytogenetic location: 17q21.33.
Variant type: single nucleotide variant.
Coding change: c.588+5G>A on transcript NM_000088.4 (MANE Select); 5 bases into the intron after coding-DNA position 588, G replaced by A.
Molecular consequence: intron variant.
Genome position (GRCh38, 1-based): chr17:50,198,156, C>T on the plus strand (G>A on the coding strand, the complement: COL1A1 is on the minus strand). VCF-style: chr17-50198156-C-T. GRCh37 (hg19) VCF-style: chr17-48275517-C-T.
Identifiers: ClinVar variation 2138084 (VCV002138084.5), dbSNP rs2509247867, ClinGen allele CA2580094367.
Genomic context (GRCh38, chr17:50,198,156, plus strand): 5'-ATCCCAGTCTTCCCTCCAAAAGACCAAAGCCCAAGGAGGCATATGAAGACGTCCTGGATA[C>T]TCACAGGTGCACCAGGGGGGCCAGGGAGACCACGAGGACCAGAGGGACCCTATAGAGGGA-3'

ClinVar aggregate classification (germline): Pathogenic/Likely pathogenic. Review status: criteria provided, multiple submitters, no conflicts (2 of 4 stars). 2 submissions from 2 submitters: Pathogenic (1); Likely pathogenic (1). Last evaluated 2024-05-13.

Conditions:
Osteogenesis imperfecta type I (OI1). Also called: OI, TYPE I; OSTEOGENESIS IMPERFECTA TARDA; OSTEOGENESIS IMPERFECTA WITH BLUE SCLERAE; Osteogenesis imperfecta type 1; Lobstein disease; Lobstein's Disease. Identifiers: Orphanet 216796, Orphanet 666, MedGen C0023931, MONDO:0008146, OMIM 166200. Disease mechanism: loss of function.

Allele frequency attached by ClinVar (database versions not stated): gnomAD exomes below 0.00001.
gnomAD v4.1: 1 of 1,614,088 alleles (0.000062%); highest among the groups gnomAD compares: Non-Finnish European, 0.000085%; no homozygotes.

Submissions (2):

GeneDx
Classification: Likely pathogenic. Last evaluated: 2024-05-13. Review status: criteria provided, single submitter. Criteria: GeneDx Variant Classification Process June 2021. Collection method: clinical testing. Allele origin: germline. Affected: yes.
Comment: Intronic +5 splice site variant in a gene for which loss of function is a known mechanism of disease, and both splice predictors and evolutionary conservation support a deleterious effect; Published cDNA sequencing studies demonstrate that the c.588+5G>A variant leads to inclusion of intron 7 sequence and creates a premature termination codon (Schleit et al., 2015); Not observed at significant frequency in large population cohorts (gnomAD); This variant is associated with the following publications: (PMID: 30715774, 25963598)

Labcorp Genetics (formerly Invitae), Labcorp
Classification: Pathogenic for Osteogenesis imperfecta type I. Last evaluated: 2023-07-19. Review status: criteria provided, single submitter. Criteria: Invitae Variant Classification Sherloc (09022015). Collection method: clinical testing. Allele origin: germline.
Comment: This sequence change falls in intron 7 of the COL1A1 gene. It does not directly change the encoded amino acid sequence of the COL1A1 protein. RNA analysis indicates that this variant induces altered splicing and may result in an absent or disrupted protein product. For these reasons, this variant has been classified as Pathogenic. Variants that disrupt the consensus splice site are a relatively common cause of aberrant splicing (PMID: 17576681, 9536098). Studies have shown that this variant results in inclusion of intron 7 and introduces a premature termination codon (PMID: 25963598). The resulting mRNA is expected to undergo nonsense-mediated decay. ClinVar contains an entry for this variant (Variation ID: 2138084). This variant has been observed in individual(s) with osteogenesis imperfecta and/or osteogenesis imperfecta type I (PMID: 25963598; Invitae). It has also been observed to segregate with disease in related individuals. This variant is not present in population databases (gnomAD no frequency).

Literature cited by the submitters: PubMed 17576681 (cited by Labcorp Genetics (formerly Invitae), Labcorp); PubMed 9536098 (cited by Labcorp Genetics (formerly Invitae), Labcorp); PubMed 25963598 (cited by Labcorp Genetics (formerly Invitae), Labcorp).